The following is an entry in ClinVar:

ClinVar aggregate classification (germline): Likely pathogenic (1 of 4 stars; one submission).

Conditions:
X-linked Alport syndrome (ATS1). Also called: COL4A5-Related Nephropathy; NEPHROPATHY AND DEAFNESS, X-LINKED. Identifiers: Orphanet 63, Orphanet 88917, MedGen C4746986, MONDO:0010520, OMIM 301050.

Submission:

Genesis Genoma Lab
Classification: Likely pathogenic for X-linked Alport syndrome. Last evaluated: 2022-11-10. Review status: criteria provided, single submitter. Criteria: ACMG Guidelines, 2015. Collection method: clinical testing. Allele origin: germline. Inheritance: X-linked inheritance. Affected: yes.
Comment: The detected variant is not present in gnomAD database. The variant c.3623G>A (p.Gly1208Glu) of COL5A4 gene, affecting the same aminoacid has been reported as Likely Pathogenic in ClinVar database (Variation Id 870366). According to our knowledge this variant has not been reported in patients with Alport syndrome in the scientific literature until now.

NM_033380.3(COL4A5):c.3622G>C (p.Gly1208Arg)

Gene: COL4A5 (collagen type IV alpha 5 chain; plus strand). Cytogenetic location: Xq22.3.
Variant type: single nucleotide variant.
Coding change: c.3622G>C on transcript NM_033380.3 (MANE Select); coding-DNA position 3622, G replaced by C.
Protein change: p.Gly1208Arg; replaces glycine 1208 with arginine.
Molecular consequence: missense variant.
Genome position (GRCh38, 1-based): chrX:108,668,336, G>C. VCF-style: chrX-108668336-G-C. GRCh37 (hg19) VCF-style: chrX-107911566-G-C.
Other names: p.Gly1208Arg; c.3622G>C, p.Gly1208Arg (NM_000495.5); short protein forms G1208R.
Identifiers: ClinVar variation 1723183 (VCV001723183.2), dbSNP rs2524574720, ClinGen allele CA413848393.
Genomic context (GRCh38, chrX:108,668,336, plus strand): 5'-AACTCGGTATTATTTATCTTCTAATTATACTTTACTTTCATAGGCCAAAAGGGTGATGGA[G>C]GATTACCTGGGATTCCAGGAAATCCTGGCCTTCCAGGTCCAAAGGGCGAACCAGGCTTTC-3'
Protein context (NP_203699.1, residues 1198-1218): PGLSGQKGDG[Gly1208Arg]LPGIPGNPGL